The following is an entry in ClinVar:

ClinVar aggregate classification (germline): Uncertain significance (1 of 4 stars; one submission).

Conditions:
Joubert syndrome. Also called: CEREBELLOPARENCHYMAL DISORDER IV; JOUBERT-BOLTSHAUSER SYNDROME; Familial aplasia of the vermis. Identifiers: Orphanet 475, MedGen C5979921, MONDO:0018772.
Meckel-Gruber syndrome. Also called: DYSENCEPHALIA SPLANCHNOCYSTICA; GRUBER SYNDROME; Dysencephalia splachnocystica. Identifiers: Orphanet 564, MedGen C0265215, MONDO:0018921.

Submission:

Labcorp Genetics (formerly Invitae), Labcorp
Classification: Uncertain significance for Joubert syndrome; Meckel-Gruber syndrome. Last evaluated: 2024-02-10. Review status: criteria provided, single submitter. Criteria: Invitae Variant Classification Sherloc (09022015). Collection method: clinical testing. Allele origin: germline.
Comment: This sequence change replaces threonine, which is neutral and polar, with serine, which is neutral and polar, at codon 375 of the TCTN2 protein (p.Thr375Ser). This variant is not present in population databases (gnomAD no frequency). This variant has not been reported in the literature in individuals affected with TCTN2-related conditions. Advanced modeling of protein sequence and biophysical properties (such as structural, functional, and spatial information, amino acid conservation, physicochemical variation, residue mobility, and thermodynamic stability) performed at Invitae indicates that this missense variant is not expected to disrupt TCTN2 protein function with a negative predictive value of 80%. In summary, the available evidence is currently insufficient to determine the role of this variant in disease. Therefore, it has been classified as a Variant of Uncertain Significance.

NM_024809.5(TCTN2):c.1124C>G (p.Thr375Ser)

Gene: TCTN2 (tectonic family member 2; plus strand). Cytogenetic location: 12q24.31.
Variant type: single nucleotide variant.
Coding change: c.1124C>G on transcript NM_024809.5 (MANE Select); coding-DNA position 1124, C replaced by G.
Protein change: p.Thr375Ser; replaces threonine 375 with serine.
Molecular consequence: missense variant. On other transcripts: intron variant (1).
Genome position (GRCh38, 1-based): chr12:123,694,866, C>G. VCF-style: chr12-123694866-C-G. GRCh37 (hg19) VCF-style: chr12-124179413-C-G.
Other names: c.1121C>G, p.Thr374Ser (NM_001143850.3); c.1100-354C>G (NM_001410989.1); short protein forms T374S, T375S.
Identifiers: ClinVar variation 3754348 (VCV003754348.2).